The following is an entry in ClinVar:

NM_020631.6(PLEKHG5):c.1251G>T (p.Gln417His)

Gene: PLEKHG5 (pleckstrin homology and RhoGEF domain containing G5; minus strand). Cytogenetic location: 1p36.31.
Variant type: single nucleotide variant.
Coding change: c.1251G>T on transcript NM_020631.6 (MANE Select); coding-DNA position 1251, G replaced by T.
Protein change: p.Gln417His; replaces glutamine 417 with histidine.
Molecular consequence: missense variant.
Genome position (GRCh38, 1-based): chr1:6,471,518, C>A on the plus strand (G>T on the coding strand, the complement: PLEKHG5 is on the minus strand). VCF-style: chr1-6471518-C-A. GRCh37 (hg19) VCF-style: chr1-6531578-C-A.
Other names: c.1362G>T, p.Gln454His (NM_001042663.3, NM_001265592.2); c.1251G>T, p.Gln417His (NM_001042664.2, NM_001042665.2, NM_001265594.3 and 1 more transcripts); c.1458G>T, p.Gln486His (NM_001265593.2); short protein forms Q417H, Q454H, Q486H.
Identifiers: ClinVar variation 970014 (VCV000970014.7), dbSNP rs568915094, ClinGen allele CA561592.

ClinVar aggregate classification (germline): Uncertain significance (1 of 4 stars; one submission).

Conditions:
Charcot-Marie-Tooth disease recessive intermediate C. Also called: CHARCOT-MARIE-TOOTH NEUROPATHY, RECESSIVE INTERMEDIATE C. Identifiers: Orphanet 369867, MedGen C3809309, MONDO:0014154, OMIM 615376.
Neuronopathy, distal hereditary motor, autosomal recessive 4. Also called: NEUROPATHY, DISTAL HEREDITARY MOTOR, AUTOSOMAL RECESSIVE 4; Autosomal recessive lower motor neuron disease with childhood onset. Identifiers: Orphanet 206580, MedGen C1970211, MONDO:0012608, OMIM 611067.

Allele frequency attached by ClinVar (database versions not stated): ExAC 0.00004; 1000 Genomes Project 30x 0.00078; 1000 Genomes Project 0.00100.
gnomAD v4.1: 24 of 1,610,598 alleles (0.0015%); highest among the groups gnomAD compares: South Asian, 0.024%; 1 homozygote.

Submission:

Labcorp Genetics (formerly Invitae), Labcorp
Classification: Uncertain significance for Neuronopathy, distal hereditary motor, autosomal recessive 4; Charcot-Marie-Tooth disease recessive intermediate C. Last evaluated: 2022-05-30. Review status: criteria provided, single submitter. Criteria: Invitae Variant Classification Sherloc (09022015). Collection method: clinical testing. Allele origin: germline.
Comment: This sequence change replaces glutamine, which is neutral and polar, with histidine, which is basic and polar, at codon 417 of the PLEKHG5 protein (p.Gln417His). The frequency data for this variant in the population databases is considered unreliable, as metrics indicate poor data quality at this position in the gnomAD database. This variant has not been reported in the literature in individuals affected with PLEKHG5-related conditions. ClinVar contains an entry for this variant (Variation ID: 970014). Algorithms developed to predict the effect of missense changes on protein structure and function are either unavailable or do not agree on the potential impact of this missense change (SIFT: "Tolerated"; PolyPhen-2: "Possibly Damaging"; Align-GVGD: "Class C0"). In summary, the available evidence is currently insufficient to determine the role of this variant in disease. Therefore, it has been classified as a Variant of Uncertain Significance.